The following is an entry in ClinVar:

NM_001253697.2(ERBIN):c.2110A>G (p.Ser704Gly)

Gene: ERBIN (erbb2 interacting protein; plus strand). Cytogenetic location: 5q12.3.
Variant type: single nucleotide variant.
Coding change: c.2110A>G on transcript NM_001253697.2 (MANE Select); coding-DNA position 2110, A replaced by G.
Protein change: p.Ser704Gly; replaces serine 704 with glycine.
Molecular consequence: missense variant.
Genome position (GRCh38, 1-based): chr5:66,053,428, A>G. VCF-style: chr5-66053428-A-G. GRCh37 (hg19) VCF-style: chr5-65349256-A-G.
Other names: c.2110A>G, p.Ser704Gly (NM_001006600.3, NM_001253698.2, NM_001253699.2 and 1 more transcripts); c.2098A>G, p.Ser700Gly (NM_001253701.2); short protein forms S700G, S704G.
Identifiers: ClinVar variation 3009088 (VCV003009088.3), dbSNP rs768542000, ClinGen allele CA359864172.
Genomic context (GRCh38, chr5:66,053,428, plus strand): 5'-GCTTTATTATGTTTTTCATAAAATTATCTTTATTTTAGGCAAGAAGATGAAAATTTTAAC[A>G]GCCTTTTACAAAATGGAGATATTTTAAACAGTTCAACAGAGGAAAAGTTCAAAGCTCATG-3'
Protein context (NP_001240626.1, residues 694-714): KIRQEDENFN[Ser704Gly]LLQNGDILNS

ClinVar aggregate classification (germline): Uncertain significance (1 of 4 stars; one submission).

gnomAD v4.1: 2 of 1,469,188 alleles (0.00014%); highest among the groups gnomAD compares: African/African-American, 0.0028%; no homozygotes.

Submission:

Labcorp Genetics (formerly Invitae), Labcorp
Classification: Uncertain significance. Last evaluated: 2022-11-20. Review status: criteria provided, single submitter. Criteria: Invitae Variant Classification Sherloc (09022015). Collection method: clinical testing. Allele origin: germline.
Comment: This sequence change replaces serine, which is neutral and polar, with glycine, which is neutral and non-polar, at codon 704 of the ERBIN protein (p.Ser704Gly). This variant is not present in population databases (gnomAD no frequency). This variant has not been reported in the literature in individuals affected with ERBIN-related conditions. Algorithms developed to predict the effect of missense changes on protein structure and function are either unavailable or do not agree on the potential impact of this missense change (SIFT: "Deleterious"; PolyPhen-2: "Benign"; Align-GVGD: "Class C0"). In summary, the available evidence is currently insufficient to determine the role of this variant in disease. Therefore, it has been classified as a Variant of Uncertain Significance.